The following is an entry in ClinVar:

ClinVar aggregate classification (germline): Likely benign (1 of 4 stars; one submission).

Allele frequency attached by ClinVar (database versions not stated): gnomAD 0.00010.

Submission:

CeGaT Center for Human Genetics Tuebingen
Classification: Likely benign. Last evaluated: 2026-01-01. Review status: criteria provided, single submitter. Criteria: CeGaT Center For Human Genetics Tuebingen Variant Classification Criteria Version 2. Collection method: clinical testing. Allele origin: germline. Affected: yes. Observed: 2 variant alleles.
Comment: AGAP9: PP2, BS2

NM_001190810.1(AGAP9):c.742A>G (p.Met248Val)

Genes: AGAP9 (ArfGAP with GTPase domain, ankyrin repeat and PH domain 9; minus strand), ANXA8 (annexin A8; minus strand). Cytogenetic location: 10q11.22.
Variant type: single nucleotide variant.
Coding change: c.742A>G on transcript NM_001190810.1 (MANE Select); coding-DNA position 742, A replaced by G.
Protein change: p.Met248Val; replaces methionine 248 with valine.
Molecular consequence: missense variant. On other transcripts: non-coding transcript variant (2).
Genome position (GRCh38, 1-based): chr10:47,503,387, T>C on the plus strand (A>G on the coding strand, the complement: AGAP9 is on the minus strand). VCF-style: chr10-47503387-T-C. GRCh37 (hg19) VCF-style: chr10-48235975-A-G.
Other names: short protein forms M248V.
Identifiers: ClinVar variation 2640436 (VCV002640436.24), dbSNP rs199638710, ClinGen allele CA5485523.